The following is an entry in ClinVar:

NM_182931.3(KMT2E):c.4354_4355del (p.Lys1452fs)

Gene: KMT2E (lysine methyltransferase 2E (inactive); plus strand). Cytogenetic location: 7q22.3.
Variant type: Deletion.
Coding change: c.4354_4355del on transcript NM_182931.3 (MANE Select); coding-DNA positions 4354 to 4355, 2 bases deleted (AA; older notation c.4354_4355delAA).
Protein change: p.Lys1452fs; shifts the reading frame from lysine 1452.
Molecular consequence: frameshift variant.
Genome position (GRCh38, 1-based): chr7:105,112,110-105,112,111, AA deleted; deleting any 2 consecutive bases within chr7:105,112,109-105,112,111 gives the same sequence; the c. name uses the placement nearest the transcript's 3' end. VCF-style (leftmost placement, unchanged base first): chr7-105112108-CAA-C. GRCh37 (hg19) VCF-style: chr7-104752555-CAA-C.
Other names: c.4228_4229del, p.Lys1410fs (NM_001410908.1); c.4354_4355del, p.Lys1452fs (NM_018682.4); short protein forms K1452fs, K1410fs.
Identifiers: ClinVar variation 4094375 (VCV004094375.1).
Genomic context (GRCh38, chr7:105,112,108, plus strand): 5'-AGCTGCCTTCTGTGCCAACAAAGTTGCACTGTCCTCCATCACCTCACCTAGAAAATCCTC[CAA>C]AGTCATCCACGCCTCACACACCTGTACAGCATGGTTATCTTTCACCAAAGCCTCCTTCAC-3'

ClinVar aggregate classification (germline): Pathogenic (1 of 4 stars; one submission).

Conditions:
Inborn genetic diseases. Identifiers: MedGen C0950123, MeSH D030342.

Submission:

Ambry Genetics
Classification: Pathogenic for Inborn genetic diseases. Last evaluated: 2025-08-14. Review status: criteria provided, single submitter. Criteria: Ambry Variant Classification Scheme 2023. Collection method: clinical testing. Allele origin: germline.
Comment: The c.4354_4355delAA (p.K1452Vfs*83) alteration, located in exon 27 (coding exon 25) of the KMT2E gene, consists of a deletion of 2 nucleotides from position 4354 to 4355, causing a translational frameshift with a predicted alternate stop codon after 83 amino acids. This variant is not expected to trigger nonsense-mediated mRNA decay, and impacts the last 21.9% of the protein. Premature stop codons are typically deleterious in nature, the impacted region is critical for protein function, and a significant portion of the protein is affected (Ambry internal data). This variant was not reported in population-based cohorts in the Genome Aggregation Database (gnomAD). Based on the available evidence, this alteration is classified as pathogenic.